The following is an entry in ClinVar:

NM_014727.3(KMT2B):c.5927A>G (p.Asp1976Gly)

Gene: KMT2B (lysine methyltransferase 2B; plus strand). Cytogenetic location: 19q13.12.
Variant type: single nucleotide variant.
Coding change: c.5927A>G on transcript NM_014727.3 (MANE Select); coding-DNA position 5927, A replaced by G.
Protein change: p.Asp1976Gly; replaces aspartic acid 1976 with glycine.
Molecular consequence: missense variant.
Genome position (GRCh38, 1-based): chr19:35,732,476, A>G. VCF-style: chr19-35732476-A-G. GRCh37 (hg19) VCF-style: chr19-36223377-A-G.
Other names: short protein forms D1976G.
Identifiers: ClinVar variation 3893462 (VCV003893462.1).

ClinVar aggregate classification (germline): Uncertain significance (1 of 4 stars; one submission).

Submission:

GeneDx
Classification: Uncertain significance. Last evaluated: 2024-10-20. Review status: criteria provided, single submitter. Criteria: GeneDx Variant Classification Process June 2021. Collection method: clinical testing. Allele origin: germline. Affected: yes.
Comment: Not observed at significant frequency in large population cohorts (gnomAD); In silico analysis indicates that this missense variant does not alter protein structure/function; Has not been previously published as pathogenic or benign to our knowledge